The following is an entry in ClinVar:

NM_053025.4(MYLK):c.3037C>T (p.Pro1013Ser)

Gene: MYLK (myosin light chain kinase; minus strand). Cytogenetic location: 3q21.1.
Variant type: single nucleotide variant.
Coding change: c.3037C>T on transcript NM_053025.4 (MANE Select); coding-DNA position 3037, C replaced by T.
Protein change: p.Pro1013Ser; replaces proline 1013 with serine.
Molecular consequence: missense variant.
Genome position (GRCh38, 1-based): chr3:123,700,431, G>A on the plus strand (C>T on the coding strand, the complement: MYLK is on the minus strand). VCF-style: chr3-123700431-G-A. GRCh37 (hg19) VCF-style: chr3-123419278-G-A.
Other names: c.2509C>T, p.Pro837Ser (NM_001321309.2); c.2830C>T, p.Pro944Ser (NM_053026.4, NM_053028.4); c.3037C>T, p.Pro1013Ser (NM_053027.4); short protein forms P837S, P1013S, P944S.
Identifiers: ClinVar variation 1422738 (VCV001422738.6), dbSNP rs2108580526, ClinGen allele CA354230193.
Genomic context (GRCh38, chr3:123,700,431, plus strand): 5'-CAGCAGGCTTGGCGTTGCCCACGGGTTTCAAGGGCCCTGAAGGCTGTGCATTGCTCAGGG[G>A]CTTGGAACTCTCCACTGCCTTGGCATTCAGGGTCTCGGCACTGCTGCTGCCATTCTCTGC-3'
Protein context (NP_444253.3, residues 1003-1023): LNAKAVESSK[Pro1013Ser]LSNAQPSGPL

ClinVar aggregate classification (germline): Uncertain significance (1 of 4 stars; one submission).

Conditions:
Aortic aneurysm, familial thoracic 7 (AAT7). Also called: AORTIC DISSECTION, FAMILIAL, WITH OR WITHOUT AORTIC ANEURYSM. Identifiers: MedGen C3151077, MONDO:0013418, OMIM 613780.

Submission:

Labcorp Genetics (formerly Invitae), Labcorp
Classification: Uncertain significance for Aortic aneurysm, familial thoracic 7. Last evaluated: 2022-08-23. Review status: criteria provided, single submitter. Criteria: Invitae Variant Classification Sherloc (09022015). Collection method: clinical testing. Allele origin: germline.
Comment: ClinVar contains an entry for this variant (Variation ID: 1422738). In summary, the available evidence is currently insufficient to determine the role of this variant in disease. Therefore, it has been classified as a Variant of Uncertain Significance. Advanced modeling of protein sequence and biophysical properties (such as structural, functional, and spatial information, amino acid conservation, physicochemical variation, residue mobility, and thermodynamic stability) performed at Invitae indicates that this missense variant is not expected to disrupt MYLK protein function. This variant has not been reported in the literature in individuals affected with MYLK-related conditions. This variant is not present in population databases (gnomAD no frequency). This sequence change replaces proline, which is neutral and non-polar, with serine, which is neutral and polar, at codon 1013 of the MYLK protein (p.Pro1013Ser).